The following is an entry in ClinVar:

NM_001009944.3(PKD1):c.12765C>T (p.Pro4255=)

Gene: PKD1 (polycystin 1, transient receptor potential channel interacting; minus strand). Cytogenetic location: 16p13.3.
Variant type: single nucleotide variant.
Coding change: c.12765C>T on transcript NM_001009944.3 (MANE Select); coding-DNA position 12765, C replaced by T.
Protein change: p.Pro4255=; no amino-acid change (proline 4255 retained).
Molecular consequence: synonymous variant.
Genome position (GRCh38, 1-based): chr16:2,089,874, G>A on the plus strand (C>T on the coding strand, the complement: PKD1 is on the minus strand). VCF-style: chr16-2089874-G-A. GRCh37 (hg19) VCF-style: chr16-2139875-G-A.
Other names: p.Pro4255=; c.12762C>T, p.Pro4254= (NM_000296.4).
Identifiers: ClinVar variation 434011 (VCV000434011.45), dbSNP rs62038811, ClinGen allele CA7828479.

ClinVar aggregate classification (germline): Benign/Likely benign. Review status: criteria provided, multiple submitters, no conflicts (2 of 4 stars). 11 submissions from 11 submitters: Benign (3); Likely benign (5). 3 of the submissions do not count toward it. Last evaluated 2026-08-01.

Conditions:
Polycystic kidney disease, adult type (PKD1). Also called: Polycystic Kidney, Autosomal Dominant; POLYCYSTIC KIDNEY DISEASE, ADULT, TYPE I; POLYCYSTIC KIDNEY DISEASE 1 WITH OR WITHOUT POLYCYSTIC LIVER DISEASE; Polycystic Kidney Disease 1, Autosomal Dominant; Polycystic kidney disease 1; Polycystic kidney disease 1, severe. Identifiers: MedGen C3149841, MONDO:0008263, OMIM 173900.
Polycystic kidney disease. Also called: Polycystic kidney dysplasia; Kidney, Polycystic. Identifiers: MedGen C0022680, MeSH D007690, MONDO:0020642, HP:0000113.

Allele frequency attached by ClinVar (database versions not stated): 1000 Genomes Project 0.00140; 1000 Genomes Project 30x 0.00172; gnomAD exomes 0.00379 and 0.00694; gnomAD 0.00429 and 0.00448; TOPMed 0.00448; ExAC 0.00463; ESP Exome Variant Server 0.00466.
gnomAD v4.1: 10,662 of 1,609,788 alleles (0.66%); highest among the groups gnomAD compares: Non-Finnish European, 0.85%; 49 homozygotes.

Submissions (11):

CeGaT Center for Human Genetics Tuebingen
Classification: Likely benign. Last evaluated: 2026-08-01. Review status: criteria provided, single submitter. Criteria: CeGaT Center For Human Genetics Tuebingen Variant Classification Criteria Version 2. Collection method: clinical testing. Allele origin: germline. Affected: yes. Observed: 13 variant alleles.
Comment: PKD1: BP4, BP7, BS2

Women's Health and Genetics/Laboratory Corporation of America, LabCorp
Classification: Benign. Last evaluated: 2025-04-25. Review status: criteria provided, single submitter. Criteria: LabCorp Variant Classification Summary - May 2015. Collection method: clinical testing. Allele origin: germline.

Mayo Clinic Laboratories, Mayo Clinic
Classification: Benign. Last evaluated: 2024-12-30. Review status: criteria provided, single submitter. Criteria: ACMG Guidelines, 2015. Collection method: clinical testing. Allele origin: germline. Observed: 3 variant alleles.
Comment: BS1, BS2, BP4, BP7

Blueprint Genetics
Classification: Likely benign. Last evaluated: 2024-11-27. Review status: criteria provided, single submitter. Criteria: ACMG Guidelines, 2015. Collection method: clinical testing. Allele origin: germline.

Fulgent Genetics
Classification: Likely benign for Polycystic kidney disease, adult type. Last evaluated: 2021-11-11. Review status: criteria provided, single submitter. Criteria: ACMG Guidelines, 2015. Collection method: clinical testing. Allele origin: unknown.

GeneDx
Classification: Likely benign. Last evaluated: 2020-12-22. Review status: criteria provided, single submitter. Criteria: GeneDx Variant Classification Process June 2021. Collection method: clinical testing. Allele origin: germline. Affected: yes.
Comment: This variant is associated with the following publications: (PMID: 10200984, 11058904, 22008521, 22383692)

ARUP Laboratories, Molecular Genetics and Genomics, ARUP Laboratories
Classification: Benign for Polycystic kidney disease, adult type. Last evaluated: 2018-10-11. Review status: criteria provided, single submitter. Criteria: ARUP Molecular Germline Variant Investigation Process. Collection method: clinical testing. Allele origin: germline.

Breakthrough Genomics
Classification: Likely benign. Review status: criteria provided, single submitter. Criteria: ACMG Guidelines, 2015. Collection method: not provided. Allele origin: germline. Inheritance: Autosomal dominant inheritance. Affected: yes.

Clinical Genetics DNA and cytogenetics Diagnostics Lab, Erasmus MC, Erasmus Medical Center
Classification: Likely benign. Review status: no assertion criteria provided. Collection method: clinical testing. Allele origin: germline. Affected: yes. Study: VKGL Data-share Consensus. Not counted in ClinVar's aggregate classification.

Department of Pathology and Laboratory Medicine, Sinai Health System
Classification: Benign for Polycystic Kidney disease. Review status: no assertion criteria provided. Collection method: clinical testing. Allele origin: unknown. Affected: yes. Study: The Canadian Open Genetics Repository (COGR). Not counted in ClinVar's aggregate classification.
Comment: The PKD1 p.Pro4255= variant was identified in 16 of 1176 proband chromosomes (frequency: 0.014) from Spanish, Slovenian, Italian, American and French individuals or families with ADPKD, and considered to be a polymorphism based on being a silent change or through family studies (Aguiari 2000, Badenas 1999, Vouk 2006, Tan 2009, Bataille 2011, Rossetti 2001, Rossetti 2012). The variant was also identified in dbSNP (ID: rs62038811) â€šÃ„ÃºNAâ€šÃ„Ã¹, ADPKD Mutation Database (classification likely neutral), 1000 Genomes Project in 7 of 5000 chromosomes (frequency: 0.0014), HAP-MAP populations: HAPMAP-EUR in 5 of 1006 chromosomes (frequency: 0.005), HAPMAP-AFR in 1 of 1322 chromosomes (frequency: 0.0008), HAPMAP-AMR in 1 of 694 chromosomes (frequency: 0.0014), in the NHLBI GO Exome Sequencing Project in 48 of 8542 European American (frequency: 0.0056) and in 12 of 4334 (frequency: 0.0028) African American alleles; and in the Exome Aggregation Consortium (ExAC) database (released Jan 13, 2015) in 374 (1 homozygous) of 48494 chromosomes (frequency: 0.0077) from a population of European (Non-Finnish), in 5 of 3334 chromosomes (frequency: 0.0015) from Europe (Finnish), in 9 of 6810 chromosomes from African, in 9 of 7788 chromosomes (frequency: 0.0012) from Latin regions and in 6 of 13494 chromosomes (frequency: 0.0004) from South Asia, increasing the likelihood this could be a low frequency benign variant. The variant was not identified in East Asian or other populations in the ExAC database. The p.Pro4255= variant is not expected to have clinical significance because it does not result in a change of amino acid and is not located in a known consensus splice site. In addition, in silico or computational prediction software programs (SpliceSiteFinder, MaxEntScan, NNSPLICE, GeneSplicer, HumanSpliceFinder) do not predict a difference in splicing. In summary, based on the above information, this variant meets our laboratory criteria to be classified as benign.

Laboratory of Diagnostic Genome Analysis, Leiden University Medical Center (LUMC)
Classification: Likely benign. Review status: no assertion criteria provided. Collection method: clinical testing. Allele origin: germline. Affected: yes. Study: VKGL Data-share Consensus. Not counted in ClinVar's aggregate classification.